The following is an entry in ClinVar:

ClinVar aggregate classification (germline): Conflicting classifications of pathogenicity. Review status: criteria provided, conflicting classifications (1 of 4 stars). 7 submissions from 6 submitters: Uncertain significance (2); Benign (1); Likely benign (2). 2 of the submissions do not count toward it. Last evaluated 2025-10-21.

Conditions:
Growth hormone insensitivity with immune dysregulation 1, autosomal recessive. Also called: GROWTH HORMONE INSENSITIVITY DUE TO POSTRECEPTOR DEFECT; LARON SYNDROME DUE TO POSTRECEPTOR DEFECT; Laron syndrome with immunodeficiency; GROWTH HORMONE INSENSITIVITY SYNDROME WITH IMMUNE DYSREGULATION 1, AUTOSOMAL RECESSIVE. Identifiers: Orphanet 220465, MedGen C5435698, MONDO:0100211, OMIM 245590.
Growth hormone insensitivity syndrome with immune dysregulation 2, autosomal dominant. Identifiers: MedGen C5436546, MONDO:0100219, OMIM 618985.

Allele frequency attached by ClinVar (database versions not stated): 1000 Genomes Project 30x 0.00109; 1000 Genomes Project 0.00120; gnomAD exomes 0.00163 and 0.00284; gnomAD 0.00187 and 0.00188; ESP Exome Variant Server 0.00200; TOPMed 0.00203; ExAC 0.00207.
gnomAD v4.1: 4,422 of 1,614,160 alleles (0.27%); highest among the groups gnomAD compares: Non-Finnish European, 0.34%; 10 homozygotes.

Submissions (7):

Labcorp Genetics (formerly Invitae), Labcorp
Classification: Benign for Growth hormone insensitivity with immune dysregulation 1, autosomal recessive. Last evaluated: 2025-10-21. Review status: criteria provided, single submitter. Criteria: Invitae Variant Classification Sherloc (09022015). Collection method: clinical testing. Allele origin: germline.

Blueprint Genetics
Classification: Likely benign. Last evaluated: 2024-11-18. Review status: criteria provided, single submitter. Criteria: ACMG Guidelines, 2015. Collection method: clinical testing. Allele origin: germline.

CeGaT Center for Human Genetics Tuebingen
Classification: Likely benign. Last evaluated: 2023-12-01. Review status: criteria provided, single submitter. Criteria: CeGaT Center For Human Genetics Tuebingen Variant Classification Criteria Version 2. Collection method: clinical testing. Allele origin: germline. Affected: yes. Observed: 3 variant alleles.
Comment: STAT5B: BP4, BS2

Center for Genomics, Ann and Robert H. Lurie Children's Hospital of Chicago
Classification: Uncertain significance for Growth hormone insensitivity with immune dysregulation 1, autosomal recessive. Last evaluated: 2018-11-12. Review status: criteria provided, single submitter. Criteria: ACMG Guidelines, 2015. Collection method: clinical testing. Allele origin: germline.
Comment: STAT5B NM_012448.3 exon 6 c.551-5T>C: This variant has not been reported in the literature but is present in 0.3% (398/128974) of European alleles, including 3 homozygotes, in the Genome Aggregation Database. This variant is present in ClinVar (Variation ID:534583). Evolutionary conservation and computational predictive tools for this variant are limited or unavailable. This variant is an intronic variant; splice prediction tools suggest that this variant may not affect splicing. However, further studies are needed to understand its impact. In summary, data on this variant is insufficient for disease classification. Therefore, the clinical significance of this variant is uncertain.

Center for Genomics, Ann and Robert H. Lurie Children's Hospital of Chicago
Classification: Uncertain significance for Growth hormone insensitivity with immune dysregulation 1, autosomal recessive; Growth hormone insensitivity syndrome with immune dysregulation 2, autosomal dominant. Review status: criteria provided, single submitter. Criteria: ACMG Guidelines, 2015. Collection method: clinical testing. Allele origin: germline.
Comment: the same text as in the submission from Center for Genomics, Ann and Robert H. Lurie Children's Hospital of Chicago above.

Clinical Genetics DNA and cytogenetics Diagnostics Lab, Erasmus MC, Erasmus Medical Center
Classification: Likely benign. Review status: no assertion criteria provided. Collection method: clinical testing. Allele origin: germline. Affected: yes. Study: VKGL Data-share Consensus. Not counted in ClinVar's aggregate classification.

Laboratory of Diagnostic Genome Analysis, Leiden University Medical Center (LUMC)
Classification: Likely benign. Review status: no assertion criteria provided. Collection method: clinical testing. Allele origin: germline. Affected: yes. Study: VKGL Data-share Consensus. Not counted in ClinVar's aggregate classification.

NM_012448.4(STAT5B):c.551-5T>C

Gene: STAT5B (signal transducer and activator of transcription 5B; minus strand). Cytogenetic location: 17q21.2.
Variant type: single nucleotide variant.
Coding change: c.551-5T>C on transcript NM_012448.4 (MANE Select); 5 bases into the intron before coding-DNA position 551, T replaced by C.
Molecular consequence: intron variant.
Genome position (GRCh38, 1-based): chr17:42,219,847, A>G on the plus strand (T>C on the coding strand, the complement: STAT5B is on the minus strand). VCF-style: chr17-42219847-A-G. GRCh37 (hg19) VCF-style: chr17-40371865-A-G.
Identifiers: ClinVar variation 534583 (VCV000534583.42), dbSNP rs200299299, ClinGen allele CA8574238.